The following is an entry in ClinVar:

NM_001122955.4(BSCL2):c.334C>T (p.Leu112Phe)

Genes: BSCL2 (BSCL2 lipid droplet biogenesis associated, seipin; minus strand), HNRNPUL2-BSCL2 (HNRNPUL2-BSCL2 readthrough (NMD candidate); minus strand). Cytogenetic location: 11q12.3.
Variant type: single nucleotide variant.
Coding change: c.334C>T on transcript NM_001122955.4 (MANE Select); coding-DNA position 334, C replaced by T.
Protein change: p.Leu112Phe; replaces leucine 112 with phenylalanine.
Molecular consequence: missense variant. On other transcripts: non-coding transcript variant (1).
Genome position (GRCh38, 1-based): chr11:62,705,371, G>A on the plus strand (C>T on the coding strand, the complement: BSCL2 is on the minus strand). VCF-style: chr11-62705371-G-A. GRCh37 (hg19) VCF-style: chr11-62472843-G-A.
Other names: c.142C>T, p.Leu48Phe (NM_001130702.2, NM_032667.6); c.334C>T, p.Leu112Phe (NM_001386027.1, NM_001386028.1); short protein forms L112F, L48F.
Identifiers: ClinVar variation 372114 (VCV000372114.6), dbSNP rs1057517657, ClinGen allele CA16042204.

ClinVar aggregate classification (germline): Uncertain significance. Review status: criteria provided, single submitter (1 of 4 stars). 2 submissions from 2 submitters: Uncertain significance (1). 1 of the submissions does not count toward it. Last evaluated 2024-04-13.

Conditions:
Charcot-Marie-Tooth disease type 2. Also called: Charcot-Marie-Tooth type 2. Identifiers: Orphanet 64746, MedGen C0270914, MONDO:0018993.
Congenital generalized lipodystrophy type 2 (CGL2). Also called: SEIP SYNDROME; BERARDINELLI SYNDROME; BRUNZELL SYNDROME, BSCL2-RELATED; Berardinelli-Seip Congenital Lipodystrophy Type 2. Identifiers: Orphanet 528, Orphanet 696289, MedGen C1720863, MONDO:0010020, OMIM 269700.

Allele frequency attached by ClinVar (database versions not stated): gnomAD exomes 0.00001 and below 0.00001.
gnomAD v4.1: 3 of 1,614,154 alleles (0.00019%); highest among the groups gnomAD compares: East Asian, 0.0022%; no homozygotes.

Submissions (2):

Labcorp Genetics (formerly Invitae), Labcorp
Classification: Uncertain significance for Charcot-Marie-Tooth disease type 2. Last evaluated: 2024-04-13. Review status: criteria provided, single submitter. Criteria: Invitae Variant Classification Sherloc (09022015). Collection method: clinical testing. Allele origin: germline.
Comment: This sequence change replaces leucine, which is neutral and non-polar, with phenylalanine, which is neutral and non-polar, at codon 48 of the BSCL2 protein (p.Leu48Phe). This variant is present in population databases (no rsID available, gnomAD 0.006%). This variant has not been reported in the literature in individuals affected with BSCL2-related conditions. ClinVar contains an entry for this variant (Variation ID: 372114). Advanced modeling of protein sequence and biophysical properties (such as structural, functional, and spatial information, amino acid conservation, physicochemical variation, residue mobility, and thermodynamic stability) has been performed at Invitae for this missense variant, however the output from this modeling did not meet the statistical confidence thresholds required to predict the impact of this variant on BSCL2 protein function. In summary, the available evidence is currently insufficient to determine the role of this variant in disease. Therefore, it has been classified as a Variant of Uncertain Significance.

GeneReviews
No classification provided. Condition: Congenital generalized lipodystrophy type 2. Review status: no classification provided. Collection method: literature only. Allele origin: germline. Affected: yes. Not counted in ClinVar's aggregate classification.

Literature cited by the submitters: NCBI Bookshelf NBK1212 (cited by GeneReviews).